The following is an entry in ClinVar:

NM_001330288.2(SMARCC2):c.2419C>T (p.Arg807Ter)

Gene: SMARCC2 (SWI/SNF related BAF chromatin remodeling complex subunit C2; minus strand). Cytogenetic location: 12q13.2.
Variant type: single nucleotide variant.
Coding change: c.2419C>T on transcript NM_001330288.2 (MANE Select); coding-DNA position 2419, C replaced by T.
Protein change: p.Arg807Ter; replaces arginine 807 with a stop codon.
Molecular consequence: nonsense.
Genome position (GRCh38, 1-based): chr12:56,169,905, G>A on the plus strand (C>T on the coding strand, the complement: SMARCC2 is on the minus strand). VCF-style: chr12-56169905-G-A. GRCh37 (hg19) VCF-style: chr12-56563689-G-A.
Other names: c.2419C>T, p.Arg807Ter (NM_001130420.3, NM_139067.4); c.2326C>T, p.Arg776Ter (NM_003075.5); short protein forms R776*, R807*.
Identifiers: ClinVar variation 3769835 (VCV003769835.2).

ClinVar aggregate classification (germline): Pathogenic (1 of 4 stars; one submission).

Submission:

GeneDx
Classification: Pathogenic. Last evaluated: 2025-06-02. Review status: criteria provided, single submitter. Criteria: GeneDx Variant Classification Process June 2021. Collection method: clinical testing. Allele origin: germline.
Comment: Nonsense variant predicted to result in protein truncation or nonsense mediated decay in a gene for which loss of function is a known mechanism of disease; Not observed at significant frequency in large population cohorts (gnomAD); Has not been previously published as pathogenic or benign to our knowledge